The following is an entry in ClinVar:

NM_001371986.1(UNC80):c.2939A>G (p.Lys980Arg)

Gene: UNC80 (unc-80 homolog, NALCN channel complex subunit; plus strand). Cytogenetic location: 2q34.
Variant type: single nucleotide variant.
Coding change: c.2939A>G on transcript NM_001371986.1 (MANE Select); coding-DNA position 2939, A replaced by G.
Protein change: p.Lys980Arg; replaces lysine 980 with arginine.
Molecular consequence: missense variant.
Genome position (GRCh38, 1-based): chr2:209,834,165, A>G. VCF-style: chr2-209834165-A-G. GRCh37 (hg19) VCF-style: chr2-210698889-A-G.
Other names: c.2939A>G, p.Lys980Arg (NM_032504.2); c.2924A>G, p.Lys975Arg (NM_182587.4); short protein forms K980R, K975R.
Identifiers: ClinVar variation 1509392 (VCV001509392.7), dbSNP rs2153828829, ClinGen allele CA350411790.

ClinVar aggregate classification (germline): Uncertain significance (1 of 4 stars; one submission).

Submission:

Labcorp Genetics (formerly Invitae), Labcorp
Classification: Uncertain significance. Last evaluated: 2022-09-01. Review status: criteria provided, single submitter. Criteria: Invitae Variant Classification Sherloc (09022015). Collection method: clinical testing. Allele origin: germline.
Comment: This sequence change replaces lysine, which is basic and polar, with arginine, which is basic and polar, at codon 980 of the UNC80 protein (p.Lys980Arg). This variant is not present in population databases (gnomAD no frequency). This variant has not been reported in the literature in individuals affected with UNC80-related conditions. ClinVar contains an entry for this variant (Variation ID: 1509392). Algorithms developed to predict the effect of missense changes on protein structure and function are either unavailable or do not agree on the potential impact of this missense change (SIFT: "Not Available"; PolyPhen-2: "Benign"; Align-GVGD: "Not Available"). In summary, the available evidence is currently insufficient to determine the role of this variant in disease. Therefore, it has been classified as a Variant of Uncertain Significance.